The following is an entry in ClinVar:

ClinVar aggregate classification (germline): Uncertain significance (1 of 4 stars; one submission).

Submission:

Labcorp Genetics (formerly Invitae), Labcorp
Classification: Uncertain significance. Last evaluated: 2022-10-17. Review status: criteria provided, single submitter. Criteria: Invitae Variant Classification Sherloc (09022015). Collection method: clinical testing. Allele origin: germline.
Comment: This sequence change replaces aspartic acid, which is acidic and polar, with asparagine, which is neutral and polar, at codon 357 of the IFT88 protein (p.Asp357Asn). This variant is not present in population databases (gnomAD no frequency). This variant has not been reported in the literature in individuals affected with IFT88-related conditions. Algorithms developed to predict the effect of missense changes on protein structure and function are either unavailable or do not agree on the potential impact of this missense change (SIFT: "Not Available"; PolyPhen-2: "Probably Damaging"; Align-GVGD: "Not Available"). In summary, the available evidence is currently insufficient to determine the role of this variant in disease. Therefore, it has been classified as a Variant of Uncertain Significance.

NM_006531.5(IFT88):c.1042G>A (p.Asp348Asn)

Gene: IFT88 (intraflagellar transport 88; plus strand). Cytogenetic location: 13q12.11.
Variant type: single nucleotide variant.
Coding change: c.1042G>A on transcript NM_006531.5 (MANE Select); coding-DNA position 1042, G replaced by A.
Protein change: p.Asp348Asn; replaces aspartic acid 348 with asparagine.
Molecular consequence: missense variant. On other transcripts: non-coding transcript variant (5).
Genome position (GRCh38, 1-based): chr13:20,605,035, G>A. VCF-style: chr13-20605035-G-A. GRCh37 (hg19) VCF-style: chr13-21179174-G-A.
Other names: c.985G>A, p.Asp329Asn (NM_001318491.2, NM_001353573.2, NM_001353575.2); c.1069G>A, p.Asp357Asn (NM_001318493.2, NM_001353565.2, NM_001353566.2 and 2 more transcripts); c.1042G>A, p.Asp348Asn (NM_001353568.2, NM_001353572.2); c.967G>A, p.Asp323Asn (NM_001353569.2, NM_001353570.2, NM_001353576.2 and 1 more transcripts); c.940G>A, p.Asp314Asn (NM_001353571.2, NM_001353578.2); c.883G>A, p.Asp295Asn (NM_001353574.2); c.409G>A, p.Asp137Asn (NM_001353579.2); short protein forms D137N, D295N, D314N, D323N, D329N, D348N, D357N.
Identifiers: ClinVar variation 2009747 (VCV002009747.4), dbSNP rs2548198574, ClinGen allele CA387475800.